The following is an entry in ClinVar:

ClinVar aggregate classification (germline): Conflicting classifications of pathogenicity. Review status: criteria provided, conflicting classifications (1 of 4 stars). 4 submissions from 4 submitters: Uncertain significance (3); Likely benign (1). Last evaluated 2026-02-03.

Conditions:
Familial thoracic aortic aneurysm and aortic dissection (TAAD). Also called: Thoracic aortic aneurysms and dissections. Identifiers: Orphanet 91387, MedGen C4707243, MONDO:0019625.
Ehlers-Danlos syndrome, type 4 (EDSVASC). Also called: Ehlers-Danlos Syndrome Type IV; Ehlers-Danlos syndrome vascular type; Ehlers Danlos syndrome, ecchymotic type; Ehlers Danlos syndrome, arterial type; Ehlers Danlos syndrome, Sack-Barabas type. Identifiers: Orphanet 286, MedGen C0268338, MONDO:0017314, OMIM 130050.

Allele frequency attached by ClinVar (database versions not stated): gnomAD exomes 0.00001; ExAC 0.00002.
gnomAD v4.1: 10 of 1,614,054 alleles (0.00062%); highest among the groups gnomAD compares: South Asian, 0.011%; no homozygotes.

Submissions (4):

Labcorp Genetics (formerly Invitae), Labcorp
Classification: Uncertain significance for Ehlers-Danlos syndrome, type 4. Last evaluated: 2026-02-03. Review status: criteria provided, single submitter. Criteria: Invitae Variant Classification Sherloc (09022015). Collection method: clinical testing. Allele origin: germline.
Comment: This sequence change replaces alanine, which is neutral and non-polar, with valine, which is neutral and non-polar, at codon 487 of the COL3A1 protein (p.Ala487Val). This variant is present in population databases (rs770157568, gnomAD 0.006%). This variant has not been reported in the literature in individuals affected with COL3A1-related conditions. ClinVar contains an entry for this variant (Variation ID: 2775106). Invitae Evidence Modeling of protein sequence and biophysical properties (such as structural, functional, and spatial information, amino acid conservation, physicochemical variation, residue mobility, and thermodynamic stability) indicates that this missense variant is not expected to disrupt COL3A1 protein function with a negative predictive value of 95%. In summary, the available evidence is currently insufficient to determine the role of this variant in disease. Therefore, it has been classified as a Variant of Uncertain Significance.

Ambry Genetics
Classification: Likely benign for Familial thoracic aortic aneurysm and aortic dissection. Last evaluated: 2024-05-31. Review status: criteria provided, single submitter. Criteria: Ambry Variant Classification Scheme 2023. Collection method: clinical testing. Allele origin: germline.

Color Diagnostics, LLC DBA Color Health
Classification: Uncertain significance for Familial thoracic aortic aneurysm and aortic dissection. Last evaluated: 2024-03-07. Review status: criteria provided, single submitter. Criteria: ACMG Guidelines, 2015. Collection method: clinical testing. Allele origin: germline.
Comment: This missense variant replaces alanine with valine at codon 487 of the COL3A1 protein. Computational prediction suggests that this variant may not impact protein structure and function (internally defined REVEL score threshold <= 0.5, PMID: 27666373). To our knowledge, functional studies have not been reported for this variant. This variant has not been reported in individuals affected with cardiovascular disorders in the literature. This variant has been identified in 2/251326 chromosomes in the general population by the Genome Aggregation Database (gnomAD). The available evidence is insufficient to determine the role of this variant in disease conclusively. Therefore, this variant is classified as a Variant of Uncertain Significance.

All of Us Research Program, National Institutes of Health
Classification: Uncertain significance for Ehlers-Danlos syndrome, type 4. Last evaluated: 2024-03-05. Review status: criteria provided, single submitter. Criteria: ACMG Guidelines, 2015. Collection method: clinical testing. Allele origin: germline. Inheritance: Autosomal dominant inheritance. Observed: 1 variant allele, 1 heterozygote.
Comment: This missense variant replaces alanine with valine at codon 487 of the COL3A1 protein. Computational prediction suggests that this variant may not impact protein structure and function (internally defined REVEL score threshold <= 0.5, PMID: 27666373). To our knowledge, functional studies have not been reported for this variant. This variant has not been reported in individuals affected with cardiovascular disorders in the literature. This variant has been identified in 2/251326 chromosomes in the general population by the Genome Aggregation Database (gnomAD). The available evidence is insufficient to determine the role of this variant in disease conclusively. Therefore, this variant is classified as a Variant of Uncertain Significance.

This study involves interpretation of variants in research participants for the purpose of population health screening. Participant phenotype was not available at the time of variant classification. Additional details can be found in publication PMID: 35346344, PMCID: PMC8962531

NM_000090.4(COL3A1):c.1460C>T (p.Ala487Val)

Gene: COL3A1 (collagen type III alpha 1 chain; plus strand). Cytogenetic location: 2q32.2.
Variant type: single nucleotide variant.
Coding change: c.1460C>T on transcript NM_000090.4 (MANE Select); coding-DNA position 1460, C replaced by T.
Protein change: p.Ala487Val; replaces alanine 487 with valine.
Molecular consequence: missense variant.
Genome position (GRCh38, 1-based): chr2:188,995,050, C>T. VCF-style: chr2-188995050-C-T. GRCh37 (hg19) VCF-style: chr2-189859776-C-T.
Other names: short protein forms A487V.
Identifiers: ClinVar variation 2775106 (VCV002775106.5), dbSNP rs770157568, ClinGen allele CA074339.